The following is an entry in ClinVar:

ClinVar aggregate classification (germline): Benign. Review status: criteria provided, multiple submitters, no conflicts (2 of 4 stars). 5 submissions from 5 submitters: Benign (5). Last evaluated 2026-02-04.

Conditions:
Leukocyte adhesion deficiency 3. Also called: INTEGRIN ACTIVATION DEFICIENCY DISEASE; LEUKOCYTE ADHESION DEFICIENCY 1 VARIANT; Leukocyte adhesion deficiency, type III. Identifiers: Orphanet 2968, Orphanet 99844, MedGen C2748536, MONDO:0013016, OMIM 612840.

Allele frequency attached by ClinVar (database versions not stated): 1000 Genomes Project 0.07588; 1000 Genomes Project 30x 0.07605; TOPMed 0.10698; gnomAD 0.10980; ExAC 0.11839; ESP Exome Variant Server 0.12058.
gnomAD v4.1: 237,446 of 1,610,436 alleles (15%); highest among the groups gnomAD compares: Non-Finnish European, 17%; 18,988 homozygotes.

Submissions (12):

Labcorp Genetics (formerly Invitae), Labcorp
Classification: Benign for Leukocyte adhesion deficiency 3. Last evaluated: 2026-02-04. Review status: criteria provided, single submitter. Criteria: Invitae Variant Classification Sherloc (09022015). Collection method: clinical testing. Allele origin: germline.

Women's Health and Genetics/Laboratory Corporation of America, LabCorp
Classification: Benign. Last evaluated: 2026-01-21. Review status: criteria provided, single submitter. Criteria: LabCorp Variant Classification Summary - May 2015. Collection method: clinical testing. Allele origin: germline.

GeneDx
Classification: Benign. Last evaluated: 2018-11-11. Review status: criteria provided, single submitter. Criteria: GeneDx Variant Classification Process June 2021. Collection method: clinical testing. Allele origin: germline. Affected: yes.

Laboratory for Molecular Medicine, Mass General Brigham Personalized Medicine
Classification: Benign. Last evaluated: 2016-03-29. Review status: criteria provided, single submitter. Criteria: LMM Criteria. Collection method: clinical testing. Allele origin: germline.
Comment: Variant identified in a genome or exome case(s) and assessed due to predicted null impact of the variant or pathogenic assertions in the literature or databases. Disclaimer: This variant has not undergone full assessment. The following are preliminary notes: Frequency

Breakthrough Genomics
Classification: Benign. Review status: criteria provided, single submitter. Criteria: ACMG Guidelines, 2015. Collection method: not provided. Allele origin: germline. Inheritance: Autosomal recessive inheritance. Affected: yes.

Dr. Peter K. Rogan Lab, Western University
No classification provided (evidence only). Condition: Malignant lymphoma, large B-cell, diffuse. Review status: no classification provided. Collection method: in vitro. Allele origin: not applicable. Functional consequence: retained intron. Not counted in ClinVar's aggregate classification.

Dr. Peter K. Rogan Lab, Western University
No classification provided (evidence only). Condition: Malignant lymphoma, large B-cell, diffuse. Review status: no classification provided. Collection method: in vitro. Allele origin: not applicable. Functional consequence: retained intron. Not counted in ClinVar's aggregate classification.

Dr. Peter K. Rogan Lab, Western University
No classification provided (evidence only). Condition: Malignant lymphoma, large B-cell, diffuse. Review status: no classification provided. Collection method: in vitro. Allele origin: not applicable. Functional consequence: retained intron. Not counted in ClinVar's aggregate classification.

Dr. Peter K. Rogan Lab, Western University
No classification provided (evidence only). Condition: Malignant lymphoma, large B-cell, diffuse. Review status: no classification provided. Collection method: in vitro. Allele origin: not applicable. Functional consequence: retained intron. Not counted in ClinVar's aggregate classification.

Dr. Peter K. Rogan Lab, Western University
No classification provided (evidence only). Condition: Malignant lymphoma, large B-cell, diffuse. Review status: no classification provided. Collection method: in vitro. Allele origin: not applicable. Functional consequence: retained intron. Not counted in ClinVar's aggregate classification.

Dr. Peter K. Rogan Lab, Western University
No classification provided (evidence only). Condition: Malignant lymphoma, large B-cell, diffuse. Review status: no classification provided. Collection method: in vitro. Allele origin: not applicable. Functional consequence: retained intron. Not counted in ClinVar's aggregate classification.

Dr. Peter K. Rogan Lab, Western University
No classification provided (evidence only). Condition: Uterine carcinosarcoma. Review status: no classification provided. Collection method: in vitro. Allele origin: not applicable. Functional consequence: retained intron. Not counted in ClinVar's aggregate classification.

NM_031471.6(FERMT3):c.161-16C>G

Gene: FERMT3 (FERM domain containing kindlin 3; plus strand). Cytogenetic location: 11q13.1.
Variant type: single nucleotide variant.
Coding change: c.161-16C>G on transcript NM_031471.6 (MANE Select); 16 bases into the intron before coding-DNA position 161, C replaced by G.
Molecular consequence: intron variant.
Genome position (GRCh38, 1-based): chr11:64,210,595, C>G. VCF-style: chr11-64210595-C-G. GRCh37 (hg19) VCF-style: chr11-63978067-C-G.
Other names: c.161-16C>G (NM_001382448.1, NM_178443.3, NM_001382362.1 and 1 more transcripts); c.-380-16C>G (NM_001382364.1, NM_001382363.1).
Identifiers: ClinVar variation 402861 (VCV000402861.17), dbSNP rs78038516, ClinGen allele CA6068674.